The following is an entry in ClinVar:

ClinVar aggregate classification (germline): Uncertain significance (1 of 4 stars; one submission).

Submission:

GeneDx
Classification: Uncertain significance. Last evaluated: 2025-05-27. Review status: criteria provided, single submitter. Criteria: GeneDx Variant Classification Process June 2021. Collection method: clinical testing. Allele origin: germline. Affected: yes.
Comment: Not observed at significant frequency in large population cohorts (gnomAD); In silico analysis supports that this missense variant has a deleterious effect on protein structure/function; Has not been previously published as pathogenic or benign to our knowledge

NM_001386298.1(CIC):c.6730C>T (p.Pro2244Ser)

Gene: CIC (capicua transcriptional repressor; plus strand). Cytogenetic location: 19q13.2.
Variant type: single nucleotide variant.
Coding change: c.6730C>T on transcript NM_001386298.1 (MANE Select); coding-DNA position 6730, C replaced by T.
Protein change: p.Pro2244Ser; replaces proline 2244 with serine.
Molecular consequence: missense variant.
Genome position (GRCh38, 1-based): chr19:42,293,799, C>T. VCF-style: chr19-42293799-C-T. GRCh37 (hg19) VCF-style: chr19-42797951-C-T.
Other names: c.6730C>T, p.Pro2244Ser (NM_001304815.2, NM_001379482.1, NM_001439183.1 and 2 more transcripts); c.6727C>T, p.Pro2243Ser (NM_001379480.1, NM_001439184.1, NM_001439185.1 and 1 more transcripts); c.4003C>T, p.Pro1335Ser (NM_001379484.1, NM_001379485.1, NM_001439190.1 and 1 more transcripts); c.4000C>T, p.Pro1334Ser (NM_001439189.1, NM_001439191.1); short protein forms P1334S, P1335S, P2243S, P2244S.
Identifiers: ClinVar variation 4532580 (VCV004532580.1).
Genomic context (GRCh38, chr19:42,293,799, plus strand): 5'-GCCGGGGACACCCCGGAGCGCAAGGAGGCGGCTGGTACTGGCAAGAAGGTGAAGGTGCGG[C>T]CCCCGCCCCTGAAGAAGACCTTTGACTCTGTGGACAAGTGAGCATGGGCTGGGGCCTTGG-3'
Protein context (NP_001373227.1, residues 2234-2254): AGTGKKVKVR[Pro2244Ser]PPLKKTFDSV